The following is an entry in ClinVar:

ClinVar aggregate classification (germline): Uncertain significance (1 of 4 stars; one submission).

Conditions:
Maple syrup urine disease, mild variant (MSUDMV). Identifiers: Orphanet 511, MedGen C3554575, MONDO:0014057, OMIM 615135.

Submission:

Labcorp Genetics (formerly Invitae), Labcorp
Classification: Uncertain significance for Maple syrup urine disease, mild variant. Last evaluated: 2025-10-02. Review status: criteria provided, single submitter. Criteria: Invitae Variant Classification Sherloc (09022015). Collection method: clinical testing. Allele origin: germline.
Comment: This sequence change replaces glycine, which is neutral and non-polar, with arginine, which is basic and polar, at codon 54 of the PPM1K protein (p.Gly54Arg). This variant is not present in population databases (gnomAD no frequency). This variant has not been reported in the literature in individuals affected with PPM1K-related conditions. ClinVar contains an entry for this variant (Variation ID: 3655314). An algorithm developed to predict the effect of missense changes on protein structure and function (PolyPhen-2) suggests that this variant is likely to be disruptive. In summary, the available evidence is currently insufficient to determine the role of this variant in disease. Therefore, it has been classified as a Variant of Uncertain Significance.

NM_152542.5(PPM1K):c.160G>C (p.Gly54Arg)

Gene: PPM1K (protein phosphatase, Mg2+/Mn2+ dependent 1K; minus strand). Cytogenetic location: 4q22.1.
Variant type: single nucleotide variant.
Coding change: c.160G>C on transcript NM_152542.5 (MANE Select); coding-DNA position 160, G replaced by C.
Protein change: p.Gly54Arg; replaces glycine 54 with arginine.
Molecular consequence: missense variant.
Genome position (GRCh38, 1-based): chr4:88,278,424, C>G on the plus strand (G>C on the coding strand, the complement: PPM1K is on the minus strand). VCF-style: chr4-88278424-C-G. GRCh37 (hg19) VCF-style: chr4-89199576-C-G.
Other names: short protein forms G54R.
Identifiers: ClinVar variation 3655314 (VCV003655314.2).